The following is an entry in ClinVar:

NM_002234.4(KCNA5):c.214G>C (p.Asp72His)

Gene: KCNA5 (potassium voltage-gated channel subfamily A member 5; plus strand). Cytogenetic location: 12p13.32.
Variant type: single nucleotide variant.
Coding change: c.214G>C on transcript NM_002234.4 (MANE Select); coding-DNA position 214, G replaced by C.
Protein change: p.Asp72His; replaces aspartic acid 72 with histidine.
Molecular consequence: missense variant.
Genome position (GRCh38, 1-based): chr12:5,044,361, G>C. VCF-style: chr12-5044361-G-C. GRCh37 (hg19) VCF-style: chr12-5153527-G-C.
Other names: c.214G>C (NM_002234.2); short protein forms D72H.
Identifiers: ClinVar variation 945889 (VCV000945889.16), dbSNP rs758310507, ClinGen allele CA6399568.

ClinVar aggregate classification (germline): Uncertain significance. Review status: criteria provided, multiple submitters, no conflicts (2 of 4 stars). 4 submissions from 4 submitters: Uncertain significance (4). Last evaluated 2026-01-31.

Conditions:
Atrial fibrillation, familial, 7 (ATFB7). Identifiers: MedGen C2677106, MONDO:0012828, OMIM 612240.
Inborn genetic diseases. Identifiers: MedGen C0950123, MeSH D030342.

Allele frequency attached by ClinVar (database versions not stated): gnomAD 0.00001; gnomAD exomes 0.00003 and 0.00006; TOPMed 0.00003; ExAC 0.00016.
gnomAD v4.1: 90 of 1,550,960 alleles (0.0058%); highest among the groups gnomAD compares: Non-Finnish European, 0.007%; no homozygotes.

Submissions (4):

Labcorp Genetics (formerly Invitae), Labcorp
Classification: Uncertain significance for Atrial fibrillation, familial, 7. Last evaluated: 2026-01-31. Review status: criteria provided, single submitter. Criteria: Invitae Variant Classification Sherloc (09022015). Collection method: clinical testing. Allele origin: germline.
Comment: This sequence change replaces aspartic acid, which is acidic and polar, with histidine, which is basic and polar, at codon 72 of the KCNA5 protein (p.Asp72His). This variant is present in population databases (rs758310507, gnomAD 0.006%). This variant has not been reported in the literature in individuals affected with KCNA5-related conditions. ClinVar contains an entry for this variant (Variation ID: 945889). An algorithm developed to predict the effect of missense changes on protein structure and function (PolyPhen-2) suggests that this variant is likely to be tolerated. In summary, the available evidence is currently insufficient to determine the role of this variant in disease. Therefore, it has been classified as a Variant of Uncertain Significance.

Ambry Genetics
Classification: Uncertain significance for Inborn genetic diseases. Last evaluated: 2025-06-07. Review status: criteria provided, single submitter. Criteria: Ambry Variant Classification Scheme 2023. Collection method: clinical testing. Allele origin: germline.

GeneDx
Classification: Uncertain significance. Last evaluated: 2022-09-15. Review status: criteria provided, single submitter. Criteria: GeneDx Variant Classification Process June 2021. Collection method: clinical testing. Allele origin: germline. Affected: yes.
Comment: Has not been previously published as pathogenic or benign to our knowledge; In silico analysis supports that this missense variant does not alter protein structure/function

Fulgent Genetics
Classification: Uncertain significance for Atrial fibrillation, familial, 7. Last evaluated: 2021-07-09. Review status: criteria provided, single submitter. Criteria: ACMG Guidelines, 2015. Collection method: clinical testing. Allele origin: unknown.